The following is an entry in ClinVar:

ClinVar aggregate classification (germline): Uncertain significance. Review status: criteria provided, multiple submitters, no conflicts (2 of 4 stars). 4 submissions from 4 submitters: Uncertain significance (4). Last evaluated 2025-12-10.

Conditions:
Hereditary cancer-predisposing syndrome. Also called: Hereditary neoplastic syndrome; Neoplastic Syndromes, Hereditary; Tumor predisposition; Hereditary Cancer Syndrome. Identifiers: Orphanet 140162, MedGen C0027672, MeSH D009386, MONDO:0015356.
Microcephaly, normal intelligence and immunodeficiency (NBS). Also called: IMMUNODEFICIENCY, MICROCEPHALY, AND CHROMOSOMAL INSTABILITY; SEEMANOVA SYNDROME II; Nijmegen breakage syndrome; Microcephaly with normal intelligence immunodeficiency and lymphoreticular malignancies; Nonsyndromal microcephaly autosomal recessive with normal intelligence; Seemanova syndrome 2. Identifiers: Orphanet 647, MedGen C0398791, MONDO:0009623, OMIM 251260.

Allele frequency attached by ClinVar (database versions not stated): TOPMed below 0.00001; gnomAD 0.00001.
gnomAD v4.1: 23 of 1,586,582 alleles (0.0014%); highest among the groups gnomAD compares: Non-Finnish European, 0.0019%; no homozygotes.

Submissions (4):

Labcorp Genetics (formerly Invitae), Labcorp
Classification: Uncertain significance for Microcephaly, normal intelligence and immunodeficiency. Last evaluated: 2025-12-10. Review status: criteria provided, single submitter. Criteria: Invitae Variant Classification Sherloc (09022015). Collection method: clinical testing. Allele origin: germline.
Comment: This sequence change replaces leucine, which is neutral and non-polar, with isoleucine, which is neutral and non-polar, at codon 165 of the NBN protein (p.Leu165Ile). This variant is not present in population databases (gnomAD no frequency). This variant has not been reported in the literature in individuals affected with NBN-related conditions. ClinVar contains an entry for this variant (Variation ID: 461568). An algorithm developed to predict the effect of missense changes on protein structure and function (PolyPhen-2) suggests that this variant is likely to be disruptive. In summary, the available evidence is currently insufficient to determine the role of this variant in disease. Therefore, it has been classified as a Variant of Uncertain Significance.

Ambry Genetics
Classification: Uncertain significance for Hereditary cancer-predisposing syndrome. Last evaluated: 2023-07-03. Review status: criteria provided, single submitter. Criteria: Ambry Variant Classification Scheme 2023. Collection method: clinical testing. Allele origin: germline.
Comment: The p.L165I variant (also known as c.493C>A), located in coding exon 5 of the NBN gene, results from a C to A substitution at nucleotide position 493. The leucine at codon 165 is replaced by isoleucine, an amino acid with highly similar properties. This variant was reported in 1/60,466 breast cancer cases and in 2/53,461 controls (Dorling et al. N Engl J Med. 2021 02;384:428-439). This amino acid position is highly conserved in available vertebrate species. In addition, the in silico prediction for this alteration is inconclusive. Since supporting evidence is limited at this time, the clinical significance of this alteration remains unclear.

Genome-Nilou Lab
Classification: Uncertain significance for Microcephaly, normal intelligence and immunodeficiency. Last evaluated: 2021-11-07. Review status: criteria provided, single submitter. Criteria: ACMG Guidelines, 2015. Collection method: clinical testing. Allele origin: germline. Affected: no.

GeneDx
Classification: Uncertain significance. Last evaluated: 2020-03-06. Review status: criteria provided, single submitter. Criteria: GeneDx Variant Classification Process June 2021. Collection method: clinical testing. Allele origin: germline. Affected: yes.
Comment: Not observed in large population cohorts (Lek 2016); In silico analysis supports that this missense variant does not alter protein structure/function; Has not been previously published as pathogenic or benign to our knowledge

Literature cited by the submitters: PubMed 33471991 (cited by Ambry Genetics).

NM_002485.5(NBN):c.493C>A (p.Leu165Ile)

Gene: NBN (nibrin; minus strand). Cytogenetic location: 8q21.3.
Variant type: single nucleotide variant.
Coding change: c.493C>A on transcript NM_002485.5 (MANE Select); coding-DNA position 493, C replaced by A.
Protein change: p.Leu165Ile; replaces leucine 165 with isoleucine.
Molecular consequence: missense variant.
Genome position (GRCh38, 1-based): chr8:89,978,311, G>T on the plus strand (C>A on the coding strand, the complement: NBN is on the minus strand). VCF-style: chr8-89978311-G-T. GRCh37 (hg19) VCF-style: chr8-90990539-G-T.
Other names: c.247C>A, p.Leu83Ile (NM_001024688.3); short protein forms L165I, L83I.
Identifiers: ClinVar variation 461568 (VCV000461568.20), dbSNP rs776810966, ClinGen allele CA371660684.